The following is an entry in ClinVar:

NM_025114.4(CEP290):c.5933G>A (p.Arg1978Gln)

Gene: CEP290 (centrosomal protein 290; minus strand). Cytogenetic location: 12q21.32.
Variant type: single nucleotide variant.
Coding change: c.5933G>A on transcript NM_025114.4 (MANE Select); coding-DNA position 5933, G replaced by A.
Protein change: p.Arg1978Gln; replaces arginine 1978 with glutamine.
Molecular consequence: missense variant.
Genome position (GRCh38, 1-based): chr12:88,071,372, C>T on the plus strand (G>A on the coding strand, the complement: CEP290 is on the minus strand). VCF-style: chr12-88071372-C-T. GRCh37 (hg19) VCF-style: chr12-88465149-C-T.
Other names: short protein forms R1978Q.
Identifiers: ClinVar variation 1448005 (VCV001448005.6), dbSNP rs774881412, ClinGen allele CA6711613.

ClinVar aggregate classification (germline): Uncertain significance (1 of 4 stars; one submission).

Conditions:
Nephronophthisis. Also called: Juvenile Nephronophthisis. Identifiers: Orphanet 655, MedGen C0687120, MONDO:0019005, HP:0000090.
Meckel-Gruber syndrome. Also called: DYSENCEPHALIA SPLANCHNOCYSTICA; GRUBER SYNDROME; Dysencephalia splachnocystica. Identifiers: Orphanet 564, MedGen C0265215, MONDO:0018921.
Joubert syndrome. Also called: CEREBELLOPARENCHYMAL DISORDER IV; JOUBERT-BOLTSHAUSER SYNDROME; Familial aplasia of the vermis. Identifiers: Orphanet 475, MedGen C5979921, MONDO:0018772.

Allele frequency attached by ClinVar (database versions not stated): ExAC 0.00001; gnomAD 0.00001; gnomAD exomes below 0.00001; TOPMed below 0.00001.
gnomAD v4.1: 26 of 1,610,802 alleles (0.0016%); highest among the groups gnomAD compares: African/African-American, 0.0027%; no homozygotes.

Submission:

Labcorp Genetics (formerly Invitae), Labcorp
Classification: Uncertain significance for Joubert syndrome; Meckel-Gruber syndrome; Nephronophthisis. Last evaluated: 2022-07-05. Review status: criteria provided, single submitter. Criteria: Invitae Variant Classification Sherloc (09022015). Collection method: clinical testing. Allele origin: germline.
Comment: This sequence change replaces arginine, which is basic and polar, with glutamine, which is neutral and polar, at codon 1978 of the CEP290 protein (p.Arg1978Gln). This variant is present in population databases (rs774881412, gnomAD 0.004%). This variant has not been reported in the literature in individuals affected with CEP290-related conditions. ClinVar contains an entry for this variant (Variation ID: 1448005). Algorithms developed to predict the effect of missense changes on protein structure and function output the following: SIFT: "Tolerated"; PolyPhen-2: "Benign"; Align-GVGD: "Class C0". The glutamine amino acid residue is found in multiple mammalian species, which suggests that this missense change does not adversely affect protein function. In summary, the available evidence is currently insufficient to determine the role of this variant in disease. Therefore, it has been classified as a Variant of Uncertain Significance.